The following is an entry in ClinVar:

ClinVar aggregate classification (germline): Uncertain significance (1 of 4 stars; one submission).

Conditions:
Developmental delay with autism spectrum disorder and gait instability (MRT38). Also called: Intellectual developmental disorder, autosomal recessive 38. Identifiers: Orphanet 329195, MedGen C3809753, MONDO:0014224, OMIM 615516.

Submission:

Victorian Clinical Genetics Services, Murdoch Childrens Research Institute
Classification: Uncertain significance for Developmental delay with autism spectrum disorder and gait instability. Last evaluated: 2023-07-16. Review status: criteria provided, single submitter. Criteria: ACMG Guidelines, 2015. Collection method: clinical testing. Allele origin: germline. Inheritance: Autosomal recessive inheritance. Affected: yes.
Comment: Based on the classification scheme VCGS_Germline_v1.3.4, this variant is classified as VUS-3B. Following criteria are met: 0102 - Loss of function is a known mechanism of disease in this gene and is associated with intellectual developmental disorder, autosomal recessive 38 (MIM#615516). (I) 0106 - This gene is associated with autosomal recessive disease. (I) 0200 - Variant is predicted to result in a missense amino acid change from histidine to leucine. (I) 0252 - This variant is homozygous. (I) 0304 - Variant is present in gnomAD (v2) <0.01 for a recessive condition (2 heterozygotes, 0 homozygotes). However, this variant is covered in fewer than 50% of exomes in gnomad v2 so this allele count may be unreliable. (SP) 0503 - Missense variant consistently predicted to be tolerated by multiple in silico tools or not conserved in placental mammals with a minor amino acid change. (SB) 0604 - Variant is not located in an established domain, motif, hotspot or informative constraint region. (I) 0705 - No comparable missense variants have previous evidence for pathogenicity. (I) 0807 - This variant has no previous evidence of pathogenicity. (I) 0905 - No published segregation evidence has been identified for this variant. (I) 1007 - No published functional evidence has been identified for this variant. (I) Legend: (SP) - Supporting pathogenic, (I) - Information, (SB) - Supporting benign

NM_004667.6(HERC2):c.4139A>T (p.His1380Leu)

Gene: HERC2 (HECT and RLD domain containing E3 ubiquitin protein ligase 2; minus strand). Cytogenetic location: 15q13.1.
Variant type: single nucleotide variant.
Coding change: c.4139A>T on transcript NM_004667.6 (MANE Select); coding-DNA position 4139, A replaced by T.
Protein change: p.His1380Leu; replaces histidine 1380 with leucine.
Molecular consequence: missense variant.
Genome position (GRCh38, 1-based): chr15:28,234,149, T>A on the plus strand (A>T on the coding strand, the complement: HERC2 is on the minus strand). VCF-style: chr15-28234149-T-A. GRCh37 (hg19) VCF-style: chr15-28479295-T-A.
Other names: short protein forms H1380L.
Identifiers: ClinVar variation 3255162 (VCV003255162.1), dbSNP rs1331356963.